The following is an entry in ClinVar:

ClinVar aggregate classification (germline): Conflicting classifications of pathogenicity. Review status: criteria provided, conflicting classifications (1 of 4 stars). 4 submissions from 4 submitters: Uncertain significance (3); Likely benign (1). Last evaluated 2026-03-05.

Conditions:
Familial hypocalciuric hypercalcemia (FHH). Also called: Familial benign hypercalcemia. Identifiers: Orphanet 405, MedGen C1809471, MONDO:0018458.
Autosomal dominant hypocalcemia 1 (HYPOC1). Also called: HYPOCALCEMIA, FAMILIAL. Identifiers: MedGen C3715128, MONDO:0011013, OMIM 601198.
CASR-related disorder. Also called: CASR-related condition.
Nephrolithiasis/nephrocalcinosis. Identifiers: MedGen CN580796.
Neonatal severe primary hyperparathyroidism. Identifiers: Orphanet 417, MedGen C1832615, MONDO:0009397, OMIM 239200.
Epilepsy, idiopathic generalized, susceptibility to, 8. Identifiers: MedGen C2752062, MONDO:0013032, OMIM 612899.
Familial hypocalciuric hypercalcemia 1. Also called: Hypercalcemia, familial benign type 1. Identifiers: Orphanet 405, Orphanet 93372, MedGen C0342637, MONDO:0007791, OMIM 145980.

Allele frequency attached by ClinVar (database versions not stated): gnomAD 0.00001; TOPMed 0.00001; ExAC 0.00002; gnomAD exomes 0.00002 and 0.00003.
gnomAD v4.1: 36 of 1,613,250 alleles (0.0022%); highest among the groups gnomAD compares: Non-Finnish European, 0.003%; no homozygotes.

Submissions (4):

PreventionGenetics, part of Exact Sciences
Classification: Uncertain significance for CASR-related condition. Last evaluated: 2026-03-05. Review status: criteria provided, single submitter. Criteria: ACMG Guidelines, 2015. Collection method: clinical testing. Allele origin: germline.
Comment: The CASR c.2581T>A variant is predicted to result in the amino acid substitution p.Cys861Ser. This variant was reported in a family with presumed autosomal dominant hypoparathyroidism, but was detected in two unaffected family members and a different CASR variant was considered causative (Reported as T2551A, p.Cys851Ser in Baron. 1996. PubMed ID: 8733126). This variant has also been detected in a control individual in a different study who had normal blood calcium, phosphate and PTH (Guarnieri et al. 2010. PubMed ID: 20164288). This variant is reported in 0.0077% of alleles in individuals of European (Non-Finnish) descent in gnomAD. Although we suspect that this variant may be benign, at this time, the clinical significance of this variant is uncertain due to the absence of conclusive functional and genetic evidence.

Labcorp Genetics (formerly Invitae), Labcorp
Classification: Likely benign for Familial hypocalciuric hypercalcemia; Autosomal dominant hypocalcemia 1. Last evaluated: 2026-01-24. Review status: criteria provided, single submitter. Criteria: Invitae Variant Classification Sherloc (09022015). Collection method: clinical testing. Allele origin: germline.

Fulgent Genetics
Classification: Uncertain significance for Familial hypocalciuric hypercalcemia 1; Neonatal severe primary hyperparathyroidism; Autosomal dominant hypocalcemia 1; Epilepsy, idiopathic generalized, susceptibility to, 8. Last evaluated: 2024-02-29. Review status: criteria provided, single submitter. Criteria: ACMG Guidelines, 2015. Collection method: clinical testing. Allele origin: germline.

Ambry Genetics
Classification: Uncertain significance for Nephrolithiasis/nephrocalcinosis. Last evaluated: 2023-11-30. Review status: criteria provided, single submitter. Criteria: Ambry Variant Classification Scheme 2023. Collection method: clinical testing. Allele origin: germline.
Comment: The p.C851S variant (also known as c.2551T>A), located in coding exon 6 of the CASR gene, results from a T to A substitution at nucleotide position 2551. The cysteine at codon 851 is replaced by serine, an amino acid with dissimilar properties. This alteration was identified in 0/17 individuals diagnosed with familial hypocalciuric hypercalcemia and 1/198 controls (Guarnieri V et al. J Clin Endocrinol Metab, 2010 Apr;95:1819-29). This amino acid position is highly conserved in available vertebrate species. In addition, this alteration is predicted to be deleterious by in silico analysis. Since supporting evidence is limited at this time, the clinical significance of this alteration remains unclear.

Literature cited by the submitters: PubMed 20164288 (cited by Ambry Genetics).

NM_000388.4(CASR):c.2551T>A (p.Cys851Ser)

Gene: CASR (calcium sensing receptor; plus strand). Cytogenetic location: 3q21.1.
Variant type: single nucleotide variant.
Coding change: c.2551T>A on transcript NM_000388.4 (MANE Select); coding-DNA position 2551, T replaced by A.
Protein change: p.Cys851Ser; replaces cysteine 851 with serine.
Molecular consequence: missense variant.
Genome position (GRCh38, 1-based): chr3:122,284,505, T>A. VCF-style: chr3-122284505-T-A. GRCh37 (hg19) VCF-style: chr3-122003352-T-A.
Other names: c.2581T>A, p.Cys861Ser (NM_001178065.2); c.2581T>A (NM_001178065.1); short protein forms C851S, C861S.
Identifiers: ClinVar variation 463929 (VCV000463929.17), dbSNP rs200777304, ClinGen allele CA2569832.